The following is an entry in ClinVar:

ClinVar aggregate classification (germline): Uncertain significance (1 of 4 stars; one submission).

Conditions:
Combined immunodeficiency due to STIM1 deficiency. Also called: STIM1 DEFICIENCY; IMMUNODEFICIENCY 10. Identifiers: Orphanet 169090, Orphanet 317430, MedGen C2748557, MONDO:0013008, OMIM 612783.
Stormorken syndrome (STRMK). Also called: THROMBOCYTOPATHY, ASPLENIA, AND MIOSIS. Identifiers: Orphanet 3204, MedGen C1861451, MONDO:0008497, OMIM 185070.
Myopathy with tubular aggregates (TAM). Also called: Tubular Aggregate Myopathy. Identifiers: Orphanet 2593, MedGen C0410207, MONDO:0008051.

gnomAD v4.1: 5 of 1,614,242 alleles (0.00031%); highest among the groups gnomAD compares: African/African-American, 0.0053%; no homozygotes.

Submission:

Labcorp Genetics (formerly Invitae), Labcorp
Classification: Uncertain significance for Myopathy with tubular aggregates; Combined immunodeficiency due to STIM1 deficiency; Stormorken syndrome. Last evaluated: 2024-06-09. Review status: criteria provided, single submitter. Criteria: Invitae Variant Classification Sherloc (09022015). Collection method: clinical testing. Allele origin: germline.
Comment: This sequence change replaces alanine, which is neutral and non-polar, with valine, which is neutral and non-polar, at codon 543 of the STIM1 protein (p.Ala543Val). This variant is present in population databases (rs201273429, gnomAD 0.01%). This variant has not been reported in the literature in individuals affected with STIM1-related conditions. Advanced modeling of protein sequence and biophysical properties (such as structural, functional, and spatial information, amino acid conservation, physicochemical variation, residue mobility, and thermodynamic stability) has been performed at Invitae for this missense variant, however the output from this modeling did not meet the statistical confidence thresholds required to predict the impact of this variant on STIM1 protein function. In summary, the available evidence is currently insufficient to determine the role of this variant in disease. Therefore, it has been classified as a Variant of Uncertain Significance.

NM_001382567.1(STIM1):c.1721C>T (p.Ala574Val)

Gene: STIM1 (stromal interaction molecule 1; plus strand). Cytogenetic location: 11p15.4.
Variant type: single nucleotide variant.
Coding change: c.1721C>T on transcript NM_001382567.1 (MANE Select); coding-DNA position 1721, C replaced by T.
Protein change: p.Ala574Val; replaces alanine 574 with valine.
Molecular consequence: missense variant. On other transcripts: 3 prime UTR variant (4), non-coding transcript variant (3).
Genome position (GRCh38, 1-based): chr11:4,091,368, C>T. VCF-style: chr11-4091368-C-T. GRCh37 (hg19) VCF-style: chr11-4112598-C-T.
Other names: c.1946C>T, p.Ala649Val (NM_001277961.3); c.*42C>T (NM_001277962.2, NM_001382578.1, NM_001382579.1 and 1 more transcripts); c.1724C>T, p.Ala575Val (NM_001382566.1); c.1649C>T, p.Ala550Val (NM_001382568.1); c.1493C>T, p.Ala498Val (NM_001382569.1); c.1400C>T, p.Ala467Val (NM_001382570.1); c.1148C>T, p.Ala383Val (NM_001382571.1); c.1406C>T, p.Ala469Val (NM_001382575.1, NM_001382576.1, NM_001382577.1); and 2 more; short protein forms A380V, A383V, A467V, A469V, A498V, A543V, A550V, A574V.
Identifiers: ClinVar variation 3758735 (VCV003758735.2).